The following is an entry in ClinVar:

NM_017654.4(SAMD9):c.1792C>A (p.Gln598Lys)

Gene: SAMD9 (sterile alpha motif domain containing 9; minus strand). Cytogenetic location: 7q21.2.
Variant type: single nucleotide variant.
Coding change: c.1792C>A on transcript NM_017654.4 (MANE Select); coding-DNA position 1792, C replaced by A.
Protein change: p.Gln598Lys; replaces glutamine 598 with lysine.
Molecular consequence: missense variant.
Genome position (GRCh38, 1-based): chr7:93,104,306, G>T on the plus strand (C>A on the coding strand, the complement: SAMD9 is on the minus strand). VCF-style: chr7-93104306-G-T. GRCh37 (hg19) VCF-style: chr7-92733619-G-T.
Other names: c.1792C>A, p.Gln598Lys (NM_001193307.2); short protein forms Q598K.
Identifiers: ClinVar variation 4863757 (VCV004863757.1).

ClinVar aggregate classification (germline): Uncertain significance (1 of 4 stars; one submission).

Conditions:
Inborn genetic diseases. Identifiers: MedGen C0950123, MeSH D030342.

gnomAD v4.1: 3 of 1,613,340 alleles (0.00019%); highest among the groups gnomAD compares: Non-Finnish European, 0.00025%; no homozygotes.

Submission:

Ambry Genetics
Classification: Uncertain significance for Inborn genetic diseases. Last evaluated: 2026-03-15. Review status: criteria provided, single submitter. Criteria: Ambry Variant Classification Scheme 2023. Collection method: clinical testing. Allele origin: germline.
Comment: The p.Q598K variant (also known as c.1792C>A), located in coding exon 1 of the SAMD9 gene, results from a C to A substitution at nucleotide position 1792. The glutamine at codon 598 is replaced by lysine, an amino acid with similar properties. This amino acid position is conserved. In addition, this alteration is predicted to be tolerated by in silico analysis. Based on the available evidence, the clinical significance of this variant remains unclear.